The following is an entry in ClinVar:

ClinVar aggregate classification (germline): Conflicting classifications of pathogenicity. Review status: criteria provided, conflicting classifications (1 of 4 stars). 6 submissions from 6 submitters: Uncertain significance (3); Likely benign (2). 1 of the submissions does not count toward it. Last evaluated 2026-09-01.

Conditions:
Monogenic diabetes. Identifiers: Orphanet 183625, MedGen C3888631, MONDO:0015967.
LEPR-related disorder. Also called: LEPR-related condition; LEPR-related disorders.
Early onset severe obesity. Identifiers: MedGen C4013980.
Obesity due to leptin receptor gene deficiency. Identifiers: Orphanet 179494, MedGen C3554225, MONDO:0013992, OMIM 614963.

Allele frequency attached by ClinVar (database versions not stated): gnomAD exomes 0.00022; ESP Exome Variant Server 0.00125; 1000 Genomes Project 0.00160; 1000 Genomes Project 30x 0.00172; gnomAD 0.00183 and 0.00192; TOPMed 0.00195.
gnomAD v4.1: 447 of 1,005,084 alleles (0.044%); highest among the groups gnomAD compares: African/African-American, 0.75%; 4 homozygotes.

Submissions (8):

Cambridge Genomics Laboratory, East Genomic Laboratory Hub, NHS Genomic Medicine Service
Classification: Likely benign for Severe early-onset obesity. Last evaluated: 2026-09-01. Review status: criteria provided, single submitter. Criteria: ACGS Best Practice Guidelines for Variant Classification in Rare Disease 2020. Collection method: clinical testing. Allele origin: germline. Affected: yes.
Comment: BS2_Strong,BP4

Labcorp Genetics (formerly Invitae), Labcorp
Classification: Likely benign. Last evaluated: 2025-10-06. Review status: criteria provided, single submitter. Criteria: Invitae Variant Classification Sherloc (09022015). Collection method: clinical testing. Allele origin: germline.

New York Genome Center
Classification: Uncertain significance for Obesity due to leptin receptor gene deficiency. Last evaluated: 2022-01-14. Review status: criteria provided, single submitter. Criteria: NYGC Assertion Criteria 2020. Collection method: clinical testing. Allele origin: germline. Observed: 1 variant allele.

Illumina Laboratory Services, Illumina
Classification: Uncertain significance for Obesity due to leptin receptor gene deficiency. Last evaluated: 2018-01-13. Review status: criteria provided, single submitter. Criteria: ICSL Variant Classification Criteria 13 December 2019. Collection method: clinical testing. Allele origin: germline.

Personalized Diabetes Medicine Program, University of Maryland School of Medicine
Classification: Uncertain significance for Monogenic diabetes. Last evaluated: 2017-11-10. Review status: criteria provided, single submitter. Criteria: ACMG Guidelines, 2015. Collection method: research. Allele origin: unknown. Observed: 2 variant alleles, 2 heterozygotes.
Comment: ACMG criteria: PP3 (2 predictors), BP4 (7 predictors)=VUS

PreventionGenetics, part of Exact Sciences
Classification: Likely benign for LEPR-related condition. Last evaluated: 2023-10-11. Review status: no assertion criteria provided. Collection method: clinical testing. Allele origin: germline. Not counted in ClinVar's aggregate classification.
Comment: This variant is classified as likely benign based on ACMG/AMP sequence variant interpretation guidelines (Richards et al. 2015 PMID: 25741868, with internal and published modifications).

Dr. Peter K. Rogan Lab, Western University
No classification provided (evidence only). Condition: Uterine corpus endometrial carcinoma. Review status: no classification provided. Collection method: in vitro. Allele origin: not applicable. Functional consequence: retained intron. Not counted in ClinVar's aggregate classification.

Dr. Peter K. Rogan Lab, Western University
No classification provided (evidence only). Condition: Sarcoma. Review status: no classification provided. Collection method: in vitro. Allele origin: not applicable. Functional consequence: retained intron. Not counted in ClinVar's aggregate classification.

NM_002303.6(LEPR):c.371A>G (p.Asp124Gly)

Gene: LEPR (leptin receptor; plus strand). Cytogenetic location: 1p31.3.
Variant type: single nucleotide variant.
Coding change: c.371A>G on transcript NM_002303.6 (MANE Select); coding-DNA position 371, A replaced by G.
Protein change: p.Asp124Gly; replaces aspartic acid 124 with glycine.
Molecular consequence: missense variant.
Genome position (GRCh38, 1-based): chr1:65,572,326, A>G. VCF-style: chr1-65572326-A-G. GRCh37 (hg19) VCF-style: chr1-66038009-A-G.
Other names: c.371A>G, p.Asp124Gly (NM_001003679.3, NM_001003680.3, NM_001198688.1 and 2 more transcripts); short protein forms D124G.
Identifiers: ClinVar variation 297986 (VCV000297986.19), dbSNP rs35573508, ClinGen allele CA894545.